The following is an entry in ClinVar:

ClinVar aggregate classification (germline): Uncertain significance (1 of 4 stars; one submission).

Conditions:
Long QT syndrome (LQTS). Identifiers: MedGen C0023976, MeSH D008133, MONDO:0002442. Disease mechanism: loss of function. Inheritance: Various modes of inheritance.

Allele frequency attached by ClinVar (database versions not stated): TOPMed below 0.00001; gnomAD 0.00001; gnomAD exomes 0.00002.
gnomAD v4.1: 33 of 1,612,314 alleles (0.002%); highest among the groups gnomAD compares: Non-Finnish European, 0.0027%; no homozygotes.

Submission:

Labcorp Genetics (formerly Invitae), Labcorp
Classification: Uncertain significance for Long QT syndrome. Last evaluated: 2026-01-19. Review status: criteria provided, single submitter. Criteria: Invitae Variant Classification Sherloc (09022015). Collection method: clinical testing. Allele origin: germline.
Comment: This sequence change replaces glutamic acid, which is acidic and polar, with lysine, which is basic and polar, at codon 592 of the AKAP9 protein (p.Glu592Lys). This variant is not present in population databases (gnomAD no frequency). This variant has not been reported in the literature in individuals affected with AKAP9-related conditions. ClinVar contains an entry for this variant (Variation ID: 2755162). An algorithm developed to predict the effect of missense changes on protein structure and function (PolyPhen-2) suggests that this variant is likely to be disruptive. In summary, the available evidence is currently insufficient to determine the role of this variant in disease. Therefore, it has been classified as a Variant of Uncertain Significance.

NM_005751.5(AKAP9):c.1774G>A (p.Glu592Lys)

Gene: AKAP9 (A-kinase anchoring protein 9; plus strand). Cytogenetic location: 7q21.2.
Variant type: single nucleotide variant.
Coding change: c.1774G>A on transcript NM_005751.5 (MANE Select); coding-DNA position 1774, G replaced by A.
Protein change: p.Glu592Lys; replaces glutamic acid 592 with lysine.
Molecular consequence: missense variant.
Genome position (GRCh38, 1-based): chr7:92,001,691, G>A. VCF-style: chr7-92001691-G-A. GRCh37 (hg19) VCF-style: chr7-91631005-G-A.
Other names: c.1774G>A, p.Glu592Lys (NM_147185.3); short protein forms E592K.
Identifiers: ClinVar variation 2755162 (VCV002755162.3), dbSNP rs1319057231, ClinGen allele CA368122554.